The following is an entry in ClinVar:

NM_006231.4(POLE):c.1021-10T>C

Gene: POLE (DNA polymerase epsilon, catalytic subunit; minus strand). Cytogenetic location: 12q24.33.
Variant type: single nucleotide variant.
Coding change: c.1021-10T>C on transcript NM_006231.4 (MANE Select); 10 bases into the intron before coding-DNA position 1021, T replaced by C.
Molecular consequence: intron variant.
Genome position (GRCh38, 1-based): chr12:132,675,830, A>G on the plus strand (T>C on the coding strand, the complement: POLE is on the minus strand). VCF-style: chr12-132675830-A-G. GRCh37 (hg19) VCF-style: chr12-133252416-A-G.
Identifiers: ClinVar variation 706598 (VCV000706598.11), dbSNP rs372437632, ClinGen allele CA246298517.

ClinVar aggregate classification (germline): Likely benign. Review status: criteria provided, multiple submitters, no conflicts (2 of 4 stars). 2 submissions from 2 submitters: Likely benign (2). Last evaluated 2025-08-06.

Conditions:
Colorectal cancer, susceptibility to, 12 (CRCS12). Also called: COLORECTAL CANCER, SUSCEPTIBILITY TO, ON CHROMOSOME 12q24. Identifiers: Orphanet 220460, MedGen C3554460, MONDO:0014038, OMIM 615083.

Allele frequency attached by ClinVar (database versions not stated): gnomAD exomes below 0.00001; TOPMed 0.00001; gnomAD 0.00002; ESP Exome Variant Server 0.00008.

Submissions (2):

Labcorp Genetics (formerly Invitae), Labcorp
Classification: Likely benign. Last evaluated: 2025-08-06. Review status: criteria provided, single submitter. Criteria: Invitae Variant Classification Sherloc (09022015). Collection method: clinical testing. Allele origin: germline.

Myriad Genetics, Inc.
Classification: Likely benign for Colorectal cancer, susceptibility to, 12. Last evaluated: 2025-02-10. Review status: criteria provided, single submitter. Criteria: Myriad Autosomal Dominant, Autosomal Recessive and X-Linked Classification Criteria (2023). Collection method: clinical testing. Allele origin: unknown.
Comment: This variant is considered likely benign. This variant is intronic and is not expected to impact mRNA splicing.